The following is an entry in ClinVar:

NM_001375765.1(GIGYF1):c.1898T>C (p.Met633Thr)

Gene: GIGYF1 (GRB10 interacting GYF protein 1; minus strand). Cytogenetic location: 7q22.1.
Variant type: single nucleotide variant.
Coding change: c.1898T>C on transcript NM_001375765.1 (MANE Select); coding-DNA position 1898, T replaced by C.
Protein change: p.Met633Thr; replaces methionine 633 with threonine.
Molecular consequence: missense variant. On other transcripts: non-coding transcript variant (1).
Genome position (GRCh38, 1-based): chr7:100,683,889, A>G on the plus strand (T>C on the coding strand, the complement: GIGYF1 is on the minus strand). VCF-style: chr7-100683889-A-G. GRCh37 (hg19) VCF-style: chr7-100281512-A-G.
Other names: NM_022574.4:c.1898T>C; c.1898T>C, p.Met633Thr (NM_001375759.1, NM_001375760.1, NM_001375761.1 and 6 more transcripts); short protein forms M633T.
Identifiers: ClinVar variation 2400902 (VCV002400902.3), dbSNP rs1039418995, ClinGen allele CA163275392.

ClinVar aggregate classification (germline): Uncertain significance. Review status: criteria provided, multiple submitters, no conflicts (2 of 4 stars). 2 submissions from 2 submitters: Uncertain significance (2). Last evaluated 2025-12-09.

Conditions:
GIGYF1-related disorder. Also called: GIGYF1-related condition.

Allele frequency attached by ClinVar (database versions not stated): gnomAD exomes 0.00001; gnomAD 0.00010; TOPMed 0.00019.
gnomAD v4.1: 32 of 1,555,886 alleles (0.0021%); highest among the groups gnomAD compares: Admixed American, 0.041%; no homozygotes.

Submissions (2):

PreventionGenetics, part of Exact Sciences
Classification: Uncertain significance for GIGYF1-related condition. Last evaluated: 2025-12-09. Review status: criteria provided, single submitter. Criteria: ACMG Guidelines, 2015. Collection method: clinical testing. Allele origin: germline.
Comment: The GIGYF1 c.1898T>C variant is predicted to result in the amino acid substitution p.Met633Thr. To our knowledge, this variant has not been reported in the literature. This variant is reported in 0.0080% of alleles in individuals of Latino descent in gnomAD. At this time, the clinical significance of this variant is uncertain due to the absence of conclusive functional and genetic evidence.

Ambry Genetics
Classification: Uncertain significance. Last evaluated: 2022-04-08. Review status: criteria provided, single submitter. Criteria: Ambry Variant Classification Scheme 2023. Collection method: clinical testing. Allele origin: germline.